The following is an entry in ClinVar:

ClinVar aggregate classification (germline): Likely pathogenic. Review status: criteria provided, multiple submitters, no conflicts (2 of 4 stars). 2 submissions from 2 submitters: Likely pathogenic (2). Last evaluated 2025-11-03.

Conditions:
Mowat-Wilson syndrome (MOWS). Also called: Classic Mowat-Wilson Syndrome. Identifiers: Orphanet 2152, MedGen C1856113, MONDO:0009341, OMIM 235730.

Submissions (2):

Variantyx, Inc.
Classification: Likely pathogenic for Mowat-Wilson syndrome. Last evaluated: 2025-11-03. Review status: criteria provided, single submitter. Criteria: Variantyx Assertion Criteria 2022. Collection method: clinical testing. Allele origin: de novo. Inheritance: Autosomal dominant inheritance.
Comment: This is a nonsynonymous variant in the ZEB2 gene (OMIM: 605802). Pathogenic variants in this gene have been associated with autosomal dominant Mowat-Wilson syndrome. The alteration resides in a C2H2 zinc finger domain, and an alternate variant at this codon (p.His1045Arg) was reported as a hypomorphic allele in a patient with mild Mowat-Wilson syndrome (PMID: 23466526) (PM1), and multiple computational algorithms predict a deleterious effect for this variant (REVEL score: 0.807) (PP3).This variant is absent from control populations (PM2). Based on the current evidence, this variant is classified as likely pathogenic for autosomal dominant Mowat-Wilson syndrome.

Baylor Genetics
Classification: Likely pathogenic for Mowat-Wilson syndrome. Last evaluated: 2020-10-01. Review status: criteria provided, single submitter. Criteria: ACMG Guidelines, 2015. Collection method: clinical testing. Allele origin: unknown. Affected: yes.
Comment: This variant was determined to be likely pathogenic according to ACMG Guidelines, 2015 [PMID:25741868].

Literature cited by the submitters: PubMed 23466526 (cited by Variantyx, Inc.).

NM_014795.4(ZEB2):c.3133C>T (p.His1045Tyr)

Gene: ZEB2 (zinc finger E-box binding homeobox 2; minus strand). Cytogenetic location: 2q22.3.
Variant type: single nucleotide variant.
Coding change: c.3133C>T on transcript NM_014795.4 (MANE Select); coding-DNA position 3133, C replaced by T.
Protein change: p.His1045Tyr; replaces histidine 1045 with tyrosine.
Molecular consequence: missense variant.
Genome position (GRCh38, 1-based): chr2:144,389,963, G>A on the plus strand (C>T on the coding strand, the complement: ZEB2 is on the minus strand). VCF-style: chr2-144389963-G-A. GRCh37 (hg19) VCF-style: chr2-145147530-G-A.
Other names: c.3061C>T, p.His1021Tyr (NM_001171653.2); short protein forms H1021Y, H1045Y.
Identifiers: ClinVar variation 1029311 (VCV001029311.2), dbSNP rs1703135134, ClinGen allele CA348701075.